The following is an entry in ClinVar:

ClinVar aggregate classification (germline): Uncertain significance. Review status: criteria provided, multiple submitters, no conflicts (2 of 4 stars). 2 submissions from 2 submitters: Uncertain significance (2). Last evaluated 2023-12-05.

Conditions:
Cardiomyopathy (CMYO). Also called: Cardiomyopathies. Identifiers: Orphanet 167848, MedGen C0878544, MONDO:0004994, HP:0001638. Inheritance: Various modes of inheritance.
Hypertrophic cardiomyopathy. Also called: HYPERTROPHIC MYOCARDIOPATHY. Identifiers: Orphanet 217569, MedGen C0007194, MeSH D002312, MONDO:0005045, HP:0001639.

Allele frequency attached by ClinVar (database versions not stated): gnomAD exomes below 0.00001.
gnomAD v4.1: 3 of 1,614,160 alleles (0.00019%); highest among the groups gnomAD compares: Non-Finnish European, 0.000085%; no homozygotes.

Submissions (2):

Labcorp Genetics (formerly Invitae), Labcorp
Classification: Uncertain significance for Hypertrophic cardiomyopathy. Last evaluated: 2023-12-05. Review status: criteria provided, single submitter. Criteria: Invitae Variant Classification Sherloc (09022015). Collection method: clinical testing. Allele origin: germline.
Comment: This sequence change replaces leucine, which is neutral and non-polar, with valine, which is neutral and non-polar, at codon 961 of the MYH7 protein (p.Leu961Val). This variant is not present in population databases (gnomAD no frequency). This missense change has been observed in individual(s) with hypertrophic cardiomyopathy (PMID: 27532257). Advanced modeling of protein sequence and biophysical properties (such as structural, functional, and spatial information, amino acid conservation, physicochemical variation, residue mobility, and thermodynamic stability) performed at Invitae indicates that this missense variant is expected to disrupt MYH7 protein function with a positive predictive value of 95%. In summary, the available evidence is currently insufficient to determine the role of this variant in disease. Therefore, it has been classified as a Variant of Uncertain Significance.

Color Diagnostics, LLC DBA Color Health
Classification: Uncertain significance for Cardiomyopathy. Last evaluated: 2023-08-10. Review status: criteria provided, single submitter. Criteria: ACMG Guidelines, 2015. Collection method: clinical testing. Allele origin: germline.
Comment: This missense variant replaces leucine with valine at codon 961 of the MYH7 protein. Computational prediction is inconclusive regarding the impact of this variant on protein structure and function. To our knowledge, functional studies have not been reported for this variant. This variant has been reported in an individual affected with hypertrophic cardiomyopathy (PMID: 27532257). This variant has not been identified in the general population by the Genome Aggregation Database (gnomAD). The available evidence is insufficient to determine the role of this variant in disease conclusively. Therefore, this variant is classified as a Variant of Uncertain Significance.

Literature cited by the submitters: PubMed 27532257 (cited by Labcorp Genetics (formerly Invitae), Labcorp and Color Diagnostics, LLC DBA Color Health).

NM_000257.4(MYH7):c.2881C>G (p.Leu961Val)

Gene: MYH7 (myosin heavy chain 7; minus strand). Cytogenetic location: 14q11.2.
Variant type: single nucleotide variant.
Coding change: c.2881C>G on transcript NM_000257.4 (MANE Select); coding-DNA position 2881, C replaced by G.
Protein change: p.Leu961Val; replaces leucine 961 with valine.
Molecular consequence: missense variant.
Genome position (GRCh38, 1-based): chr14:23,423,948, G>C on the plus strand (C>G on the coding strand, the complement: MYH7 is on the minus strand). VCF-style: chr14-23423948-G-C. GRCh37 (hg19) VCF-style: chr14-23893157-G-C.
Other names: c.2881C>G, p.Leu961Val (NM_001407004.1); short protein forms L961V.
Identifiers: ClinVar variation 2736077 (VCV002736077.4), dbSNP rs1427382792, ClinGen allele CA389046721.